The following is an entry in ClinVar:

NM_199420.4(POLQ):c.2890G>C (p.Glu964Gln)

Gene: POLQ (DNA polymerase theta; minus strand). Cytogenetic location: 3q13.33.
Variant type: single nucleotide variant.
Coding change: c.2890G>C on transcript NM_199420.4 (MANE Select); coding-DNA position 2890, G replaced by C.
Protein change: p.Glu964Gln; replaces glutamic acid 964 with glutamine.
Molecular consequence: missense variant.
Genome position (GRCh38, 1-based): chr3:121,490,041, C>G on the plus strand (G>C on the coding strand, the complement: POLQ is on the minus strand). VCF-style: chr3-121490041-C-G. GRCh37 (hg19) VCF-style: chr3-121208888-C-G.
Other names: short protein forms E964Q.
Identifiers: ClinVar variation 1797309 (VCV001797309.3), dbSNP rs1348439692, ClinGen allele CA354104077.

ClinVar aggregate classification (germline): Uncertain significance (1 of 4 stars; one submission).

Allele frequency attached by ClinVar (database versions not stated): TOPMed below 0.00001.
gnomAD v4.1: 11 of 1,574,756 alleles (0.0007%); highest among the groups gnomAD compares: Non-Finnish European, 0.00094%; no homozygotes.

Submission:

Ambry Genetics
Classification: Uncertain significance. Last evaluated: 2024-09-15. Review status: criteria provided, single submitter. Criteria: Ambry Variant Classification Scheme 2023. Collection method: clinical testing. Allele origin: germline.
Comment: The p.E964Q variant (also known as c.2890G>C), located in coding exon 16 of the POLQ gene, results from a G to C substitution at nucleotide position 2890. The glutamic acid at codon 964 is replaced by glutamine, an amino acid with highly similar properties. This amino acid position is conserved. In addition, this alteration is predicted to be tolerated by in silico analysis. Since supporting evidence is limited at this time, the clinical significance of this alteration remains unclear.